The following is an entry in ClinVar:

NM_000091.5(COL4A3):c.2488_2488+2del

Genes: COL4A3 (collagen type IV alpha 3 chain; plus strand), MFF-DT (MFF divergent transcript; minus strand). Cytogenetic location: 2q36.3.
Variant type: Deletion.
Coding change: c.2488_2488+2del on transcript NM_000091.5 (MANE Select); coding-DNA position 2488 through the canonical splice donor site of the intron after coding-DNA position 2488, 3 bases deleted (GGT; older notation c.2488_2488+2delGGT).
Molecular consequence: splice donor variant.
Genome position (GRCh38, 1-based): chr2:227,281,006-227,281,008, GGT deleted. VCF-style (leftmost placement, unchanged base first): chr2-227281005-AGGT-A. GRCh37 (hg19) VCF-style: chr2-228145721-AGGT-A.
Identifiers: ClinVar variation 870354 (VCV000870354.7), dbSNP rs1363058249, ClinGen allele CA765696530.

ClinVar aggregate classification (germline): Likely pathogenic. Review status: criteria provided, multiple submitters, no conflicts (2 of 4 stars). 3 submissions from 3 submitters: Likely pathogenic (3). Last evaluated 2023-08-05.

Conditions:
COL4A3-related disorder. Also called: COL4A3-Related Disorders; COL4A3-related condition.
Autosomal recessive Alport syndrome (ATS2). Also called: COL4A3-Related Nephropathy; COL4A4 Alport Syndrome and Thin Basement Membrane Nephropathy; ALPORT SYNDROME 2, AUTOSOMAL RECESSIVE; Alport syndrome type 2. Identifiers: Orphanet 63, Orphanet 88919, MedGen C4746745, MONDO:0008762, OMIM 203780.

Allele frequency attached by ClinVar (database versions not stated): TOPMed below 0.00001; gnomAD 0.00001.

Submissions (3):

Labcorp Genetics (formerly Invitae), Labcorp
Classification: Likely pathogenic. Last evaluated: 2023-08-05. Review status: criteria provided, single submitter. Criteria: Invitae Variant Classification Sherloc (09022015). Collection method: clinical testing. Allele origin: germline.
Comment: In summary, the currently available evidence indicates that the variant is pathogenic, but additional data are needed to prove that conclusively. Therefore, this variant has been classified as Likely Pathogenic. Algorithms developed to predict the effect of sequence changes on RNA splicing suggest that this variant may disrupt the consensus splice site. ClinVar contains an entry for this variant (Variation ID: 870354). This variant has been observed in individual(s) with Alport syndrome (PMID: 33369211). This variant is not present in population databases (gnomAD no frequency). This variant results in the deletion of part of exon 31 of the COL4A3 gene. It is expected to disrupt RNA splicing. Variants that disrupt the donor or acceptor splice site typically lead to a loss of protein function (PMID: 16199547), and loss-of-function variants in COL4A3 are known to be pathogenic (PMID: 8956999, 24854265, 26809805, 27281700).

Medical Genetics, University of Parma
Classification: Likely pathogenic for Autosomal recessive Alport syndrome. Last evaluated: 2020-03-11. Review status: criteria provided, single submitter. Criteria: ACMG Guidelines, 2015. Collection method: clinical testing. Allele origin: germline. Affected: yes.

Blueprint Genetics
Classification: Likely pathogenic for COL4A3-related disorders. Last evaluated: 2018-06-29. Review status: criteria provided, single submitter. Criteria: ACMG Guidelines, 2015. Collection method: clinical testing. Allele origin: germline. Affected: yes. Observed: 1 variant allele.

Literature cited by the submitters: PubMed 33369211 (cited by Labcorp Genetics (formerly Invitae), Labcorp); PubMed 16199547 (cited by Labcorp Genetics (formerly Invitae), Labcorp); PubMed 8956999 (cited by Labcorp Genetics (formerly Invitae), Labcorp); PubMed 24854265 (cited by Labcorp Genetics (formerly Invitae), Labcorp); PubMed 26809805 (cited by Labcorp Genetics (formerly Invitae), Labcorp); PubMed 27281700 (cited by Labcorp Genetics (formerly Invitae), Labcorp).